The following is an entry in ClinVar:

ClinVar aggregate classification (germline): Likely benign. Review status: criteria provided, multiple submitters, no conflicts (2 of 4 stars). 2 submissions from 2 submitters: Likely benign (2). Last evaluated 2025-10-15.

Conditions:
COQ4-related disorder. Also called: COQ4-related condition.

gnomAD v4.1: 51 of 1,581,082 alleles (0.0032%); highest among the groups gnomAD compares: Non-Finnish European, 0.0041%; no homozygotes.

Submissions (2):

PreventionGenetics, part of Exact Sciences
Classification: Likely benign for COQ4-related condition. Last evaluated: 2025-10-15. Review status: criteria provided, single submitter. Criteria: ACMG Guidelines, 2015. Collection method: clinical testing. Allele origin: germline.
Comment: This variant is classified as likely benign based on ACMG/AMP sequence variant interpretation guidelines (Richards et al. 2015 PMID: 25741868, with internal and published modifications).

Mayo Clinic Laboratories, Mayo Clinic
Classification: Likely benign. Last evaluated: 2025-03-26. Review status: criteria provided, single submitter. Criteria: ACMG Guidelines, 2015. Collection method: clinical testing. Allele origin: germline. Observed: 1 variant allele.
Comment: BP4, BP7

NM_016035.5(COQ4):c.202+6G>A

Gene: COQ4 (coenzyme Q4; plus strand). Cytogenetic location: 9q34.11.
Variant type: single nucleotide variant.
Coding change: c.202+6G>A on transcript NM_016035.5 (MANE Select); 6 bases into the intron after coding-DNA position 202, G replaced by A.
Molecular consequence: intron variant.
Genome position (GRCh38, 1-based): chr9:128,323,153, G>A. VCF-style: chr9-128323153-G-A. GRCh37 (hg19) VCF-style: chr9-131085432-G-A.
Other names: p.?; c.202+6G>A (NM_001305942.2, NM_016035.4).
Identifiers: ClinVar variation 4683436 (VCV004683436.2).